The following is an entry in ClinVar:

NM_006766.5(KAT6A):c.3143C>T (p.Pro1048Leu)

Gene: KAT6A (lysine acetyltransferase 6A; minus strand). Cytogenetic location: 8p11.21.
Variant type: single nucleotide variant.
Coding change: c.3143C>T on transcript NM_006766.5 (MANE Select); coding-DNA position 3143, C replaced by T.
Protein change: p.Pro1048Leu; replaces proline 1048 with leucine.
Molecular consequence: missense variant.
Genome position (GRCh38, 1-based): chr8:41,937,465, G>A on the plus strand (C>T on the coding strand, the complement: KAT6A is on the minus strand). VCF-style: chr8-41937465-G-A. GRCh37 (hg19) VCF-style: chr8-41794983-G-A.
Other names: short protein forms P1048L.
Identifiers: ClinVar variation 4747360 (VCV004747360.1).

ClinVar aggregate classification (germline): Uncertain significance (1 of 4 stars; one submission).

Submission:

Labcorp Genetics (formerly Invitae), Labcorp
Classification: Uncertain significance. Last evaluated: 2026-01-12. Review status: criteria provided, single submitter. Criteria: Invitae Variant Classification Sherloc (09022015). Collection method: clinical testing. Allele origin: germline.
Comment: This sequence change replaces proline, which is neutral and non-polar, with leucine, which is neutral and non-polar, at codon 1048 of the KAT6A protein (p.Pro1048Leu). This variant is not present in population databases (gnomAD no frequency). This variant has not been reported in the literature in individuals affected with KAT6A-related conditions. Invitae Evidence Modeling of protein sequence and biophysical properties (such as structural, functional, and spatial information, amino acid conservation, physicochemical variation, residue mobility, and thermodynamic stability) indicates that this missense variant is not expected to disrupt KAT6A protein function with a negative predictive value of 95%. In summary, the available evidence is currently insufficient to determine the role of this variant in disease. Therefore, it has been classified as a Variant of Uncertain Significance.